The following is an entry in ClinVar:

ClinVar aggregate classification (germline): Uncertain significance. Review status: criteria provided, multiple submitters, no conflicts (2 of 4 stars). 2 submissions from 2 submitters: Uncertain significance (2). Last evaluated 2025-10-09.

gnomAD v4.1: 1 of 1,611,986 alleles (0.000062%); highest among the groups gnomAD compares: African/African-American, 0.0013%; no homozygotes.

Submissions (2):

Labcorp Genetics (formerly Invitae), Labcorp
Classification: Uncertain significance. Last evaluated: 2025-10-09. Review status: criteria provided, single submitter. Criteria: Invitae Variant Classification Sherloc (09022015). Collection method: clinical testing. Allele origin: germline.
Comment: This sequence change replaces threonine, which is neutral and polar, with serine, which is neutral and polar, at codon 309 of the ZIC4 protein (p.Thr309Ser). This variant is not present in population databases (gnomAD no frequency). This variant has not been reported in the literature in individuals affected with ZIC4-related conditions. ClinVar contains an entry for this variant (Variation ID: 3193570). An algorithm developed to predict the effect of missense changes on protein structure and function (PolyPhen-2) suggests that this variant is likely to be disruptive. In summary, the available evidence is currently insufficient to determine the role of this variant in disease. Therefore, it has been classified as a Variant of Uncertain Significance.

Ambry Genetics
Classification: Uncertain significance. Last evaluated: 2023-10-13. Review status: criteria provided, single submitter. Criteria: Ambry Variant Classification Scheme 2023. Collection method: clinical testing. Allele origin: germline.

NM_032153.6(ZIC4):c.776C>G (p.Thr259Ser)

Gene: ZIC4 (Zic family zinc finger 4; minus strand). Cytogenetic location: 3q24.
Variant type: single nucleotide variant.
Coding change: c.776C>G on transcript NM_032153.6 (MANE Select); coding-DNA position 776, C replaced by G.
Protein change: p.Thr259Ser; replaces threonine 259 with serine.
Molecular consequence: missense variant. On other transcripts: non-coding transcript variant (3).
Genome position (GRCh38, 1-based): chr3:147,391,159, G>C on the plus strand (C>G on the coding strand, the complement: ZIC4 is on the minus strand). VCF-style: chr3-147391159-G-C. GRCh37 (hg19) VCF-style: chr3-147108946-G-C.
Other names: c.926C>G, p.Thr309Ser (NM_001168378.1); c.890C>G, p.Thr297Ser (NM_001168379.2); c.158C>G, p.Thr53Ser (NM_001243256.2); short protein forms T309S, T259S, T297S, T53S.
Identifiers: ClinVar variation 3193570 (VCV003193570.2), dbSNP rs2473073609, ClinGen allele CA354890879.